The following is an entry in ClinVar:

ClinVar aggregate classification (germline): Uncertain significance. Review status: criteria provided, multiple submitters, no conflicts (2 of 4 stars). 2 submissions from 2 submitters: Uncertain significance (2). Last evaluated 2025-12-09.

Conditions:
Inborn genetic diseases. Identifiers: MedGen C0950123, MeSH D030342.
Monocytopenia with susceptibility to infections. Also called: IMMUNODEFICIENCY 21; GATA2 DEFICIENCY; Dendritic cell, monocyte, B lymphocyte, and natural killer lymphocyte deficiency; MONOCYTOPENIA AND MYCOBACTERIAL INFECTION SYNDROME; MONOCYTOPENIA WITH SUSCEPTIBILITY TO MYCOBACTERIAL, FUNGAL, AND PAPILLOMAVIRUS INFECTIONS AND MYELODYSPLASIA; COMBINED IMMUNODEFICIENCY WITH SUSCEPTIBILITY TO MYCOBACTERIAL, VIRAL, AND FUNGAL INFECTIONS. Identifiers: Orphanet 228423, MedGen C3280030, MONDO:0013607, OMIM 614172.
Deafness-lymphedema-leukemia syndrome. Also called: Emberger syndrome; Lymphedema, primary, with myelodysplasia. Identifiers: Orphanet 3226, MedGen C3279664, MONDO:0013540, OMIM 614038.

Allele frequency attached by ClinVar (database versions not stated): gnomAD exomes below 0.00001.
gnomAD v4.1: 2 of 1,571,544 alleles (0.00013%); highest among the groups gnomAD compares: Admixed American, 0.0019%; no homozygotes.

Submissions (2):

Ambry Genetics
Classification: Uncertain significance for Inborn genetic diseases. Last evaluated: 2025-12-09. Review status: criteria provided, single submitter. Criteria: Ambry Variant Classification Scheme 2023. Collection method: clinical testing. Allele origin: germline.
Comment: The p.H111L variant (also known as c.332A>T), located in coding exon 2 of the GATA2 gene, results from an A to T substitution at nucleotide position 332. The histidine at codon 111 is replaced by leucine, an amino acid with similar properties. This amino acid position is conserved. In addition, this alteration is predicted to be deleterious by in silico analysis. Based on the available evidence, the clinical significance of this variant remains unclear.

Labcorp Genetics (formerly Invitae), Labcorp
Classification: Uncertain significance for Monocytopenia with susceptibility to infections; Deafness-lymphedema-leukemia syndrome. Last evaluated: 2022-11-04. Review status: criteria provided, single submitter. Criteria: Invitae Variant Classification Sherloc (09022015). Collection method: clinical testing. Allele origin: germline.
Comment: In summary, the available evidence is currently insufficient to determine the role of this variant in disease. Therefore, it has been classified as a Variant of Uncertain Significance. Advanced modeling of protein sequence and biophysical properties (such as structural, functional, and spatial information, amino acid conservation, physicochemical variation, residue mobility, and thermodynamic stability) has been performed at Invitae for this missense variant, however the output from this modeling did not meet the statistical confidence thresholds required to predict the impact of this variant on GATA2 protein function. This variant has not been reported in the literature in individuals affected with GATA2-related conditions. This variant is not present in population databases (gnomAD no frequency). This sequence change replaces histidine, which is basic and polar, with leucine, which is neutral and non-polar, at codon 111 of the GATA2 protein (p.His111Leu).

NM_032638.5(GATA2):c.332A>T (p.His111Leu)

Gene: GATA2 (GATA binding protein 2; minus strand). Cytogenetic location: 3q21.3.
Variant type: single nucleotide variant.
Coding change: c.332A>T on transcript NM_032638.5 (MANE Select); coding-DNA position 332, A replaced by T.
Protein change: p.His111Leu; replaces histidine 111 with leucine.
Molecular consequence: missense variant.
Genome position (GRCh38, 1-based): chr3:128,486,266, T>A on the plus strand (A>T on the coding strand, the complement: GATA2 is on the minus strand). VCF-style: chr3-128486266-T-A. GRCh37 (hg19) VCF-style: chr3-128205109-T-A.
Other names: c.332A>T, p.His111Leu (NM_001145661.2, NM_001145662.1); short protein forms H111L.
Identifiers: ClinVar variation 2929368 (VCV002929368.4), dbSNP rs1576749129, ClinGen allele CA354407294.
Genomic context (GRCh38, chr3:128,486,266, plus strand): 5'-GCAGCTGAGGGGTGCAGTGGCGTCTTGGAGAAGGGGCTCACGGTCCAGGGGTTGTGGTGG[T>A]GGGCCGCAGCGGCAGAGAGGGCTGCTTTGCCCCCGTCCAGCCAGGGCAAACCCGGGCTGT-3'
Protein context (NP_116027.2, residues 101-121): GKAALSAAAA[His111Leu]HHNPWTVSPF